The following is an entry in ClinVar:

ClinVar aggregate classification (germline): Uncertain significance (1 of 4 stars; one submission).

Conditions:
Axenfeld-Rieger syndrome type 3 (RIEG3). Also called: AXENFELD-RIEGER ANOMALY WITH CARDIAC DEFECTS AND/OR SENSORINEURAL HEARING LOSS. Identifiers: Orphanet 782, MedGen C2678503, MONDO:0011233, OMIM 602482.

Allele frequency attached by ClinVar (database versions not stated): gnomAD exomes below 0.00001.
gnomAD v4.1: 1 of 1,125,780 alleles (0.000089%); highest among the groups gnomAD compares: African/African-American, 0.0017%; no homozygotes.

Submission:

Labcorp Genetics (formerly Invitae), Labcorp
Classification: Uncertain significance for Axenfeld-Rieger syndrome type 3. Last evaluated: 2026-01-19. Review status: criteria provided, single submitter. Criteria: Invitae Variant Classification Sherloc (09022015). Collection method: clinical testing. Allele origin: germline.
Comment: This sequence change replaces glycine, which is neutral and non-polar, with glutamic acid, which is acidic and polar, at codon 382 of the FOXC1 protein (p.Gly382Glu). The frequency data for this variant in the population databases is considered unreliable, as metrics indicate insufficient coverage at this position in the gnomAD database. This variant has not been reported in the literature in individuals affected with FOXC1-related conditions. ClinVar contains an entry for this variant (Variation ID: 1975699). An algorithm developed to predict the effect of missense changes on protein structure and function (PolyPhen-2) suggests that this variant is likely to be disruptive. In summary, the available evidence is currently insufficient to determine the role of this variant in disease. Therefore, it has been classified as a Variant of Uncertain Significance.

NM_001453.3(FOXC1):c.1145G>A (p.Gly382Glu)

Gene: FOXC1 (forkhead box C1; plus strand). Cytogenetic location: 6p25.3.
Variant type: single nucleotide variant.
Coding change: c.1145G>A on transcript NM_001453.3 (MANE Select); coding-DNA position 1145, G replaced by A.
Protein change: p.Gly382Glu; replaces glycine 382 with glutamic acid.
Molecular consequence: missense variant.
Genome position (GRCh38, 1-based): chr6:1,611,590, G>A. VCF-style: chr6-1611590-G-A. GRCh37 (hg19) VCF-style: chr6-1611825-G-A.
Other names: short protein forms G382E.
Identifiers: ClinVar variation 1975699 (VCV001975699.5), dbSNP rs1346788118, ClinGen allele CA362560306.